The following is an entry in ClinVar:

NM_001061.7(TBXAS1):c.1235G>A (p.Arg412Gln)

Gene: TBXAS1 (thromboxane A synthase 1; plus strand). Cytogenetic location: 7q34.
Variant type: single nucleotide variant.
Coding change: c.1235G>A on transcript NM_001061.7 (MANE Select); coding-DNA position 1235, G replaced by A.
Protein change: p.Arg412Gln; replaces arginine 412 with glutamine.
Molecular consequence: missense variant.
Genome position (GRCh38, 1-based): chr7:140,015,731, G>A. VCF-style: chr7-140015731-G-A. GRCh37 (hg19) VCF-style: chr7-139715531-G-A.
Other names: R413E; p.Arg412Gln; c.1235G>A, p.Arg412Gln (NM_001130966.5, NM_030984.6); c.1373G>A, p.Arg458Gln (NM_001166253.4); c.1034G>A, p.Arg345Gln (NM_001166254.4); c.1178G>A, p.Arg393Gln (NM_001314028.4); c.1052G>A, p.Arg351Gln (NM_001366537.3); c.1373G>A (NM_001166253.3); and 1 more; short protein forms R345Q, R351Q, R458Q, R393Q, R412Q.
Identifiers: ClinVar variation 11889 (VCV000011889.54), dbSNP rs199422117, ClinGen allele CA121739.

ClinVar aggregate classification (germline): Conflicting classifications of pathogenicity. Review status: criteria provided, conflicting classifications (1 of 4 stars). 22 submissions from 22 submitters: Pathogenic (3); Likely pathogenic (10); Uncertain significance (5). 4 of the submissions do not count toward it. Last evaluated 2026-09-22.

Conditions:
TBXAS1-related disorder. Also called: TBXAS1-related condition.
Ghosal hematodiaphyseal dysplasia. Also called: Ghosal hematodiaphyseal syndrome. Identifiers: Orphanet 1802, MedGen C1856465, MONDO:0009274, OMIM 231095.

Allele frequency attached by ClinVar (database versions not stated): gnomAD 0.00021 and 0.00001; 1000 Genomes Project 30x 0.00109; ExAC 0.00087; TOPMed 0.00003; gnomAD exomes 0.00083; 1000 Genomes Project 0.00100.
gnomAD v4.1: 575 of 1,613,278 alleles (0.036%); highest among the groups gnomAD compares: South Asian, 0.56%; 7 homozygotes.

Submissions 1 to 12 of 22:

PreventionGenetics, part of Exact Sciences
Classification: Uncertain significance for TBXAS1-related condition. Last evaluated: 2026-09-22. Review status: criteria provided, single submitter. Criteria: ACMG Guidelines, 2015. Collection method: clinical testing. Allele origin: germline.
Comment: The TBXAS1 c.1238G>A variant is predicted to result in the amino acid substitution p.Arg413Gln. This variant is alternatively referred to as p.Arg412Gln and p.Arg459Gln in the literature. This variant has been reported in the homozygous state in at least seven individuals with Ghosal hematodiaphyseal dysplasia (Genevieve et al. 2008. PubMed ID: 18264100; Jeevan et al. 2016. PubMed ID: 27156553; Joy et al. 2021. PubMed ID: 33185009; Selina et al. 2020. PubMed ID: 33244729; Sudhakar et al. 2022. PubMed ID: 35395429; Brown et al. 2023. PubMed ID: 36574346; Uludağ Alkaya et al. 2025. PubMed ID: 40198394). An in vitro experimental study suggests this variant impairs TBXAS1 enzyme activity (Wang et al. 1996. PubMed ID: 8702713). This variant is reported in 0.66% of alleles in individuals of South Asian descent in gnomAD, including one homozygote, but is rare or absent in other ancestral populations. It has conflicting interpretations of uncertain, likely pathogenic, and pathogenic in ClinVar (Variation ID: 11889). Although we suspect this variant may be pathogenic, at this time, the clinical significance of this variant is uncertain due to the absence of conclusive functional and genetic evidence.

Women's Health and Genetics/Laboratory Corporation of America, LabCorp
Classification: Pathogenic for Ghosal hematodiaphyseal dysplasia. Last evaluated: 2025-09-15. Review status: criteria provided, single submitter. Criteria: LabCorp Variant Classification Summary - May 2015. Collection method: clinical testing. Allele origin: germline.
Comment: Variant summary: TBXAS1 c.1235G>A (p.Arg412Gln) results in a conservative amino acid change in the encoded protein sequence. Algorithms developed to predict the effect of missense changes on protein structure and function are either unavailable or do not agree on the potential impact of this missense change. The variant allele was found at a frequency of 0.00083 in 249760 control chromosomes in the gnomAD database, including one homozygote. This frequency is not significantly higher than estimated for disease-causing variants in TBXAS1, allowing no conclusion about variant significance. c.1235G>A has been observed in multiple individuals affected with clinical features of Ghosal Hematodiaphyseal Dysplasia (Genevieve_2008, Jeevan_2016, Selina_2020). These data indicate that the variant is very likely to be associated with disease. At least one publication reports experimental evidence evaluating an impact on protein function. The most pronounced variant effect results in <10% of normal activity (Wang_1996). The following publications have been ascertained in the context of this evaluation (PMID: 18264100, 27156553, 33244729, 8702713). ClinVar contains an entry for this variant (Variation ID: 11889). Based on the evidence outlined above, the variant was classified as pathogenic.

Labcorp Genetics (formerly Invitae), Labcorp
Classification: Likely pathogenic. Last evaluated: 2025-08-12. Review status: criteria provided, single submitter. Criteria: Invitae Variant Classification Sherloc (09022015). Collection method: clinical testing. Allele origin: germline.
Comment: This sequence change replaces arginine, which is basic and polar, with glutamine, which is neutral and polar, at codon 413 of the TBXAS1 protein (p.Arg413Gln). This variant is present in population databases (rs199422117, gnomAD 0.6%), and has an allele count higher than expected for a pathogenic variant. This missense change has been observed in individual(s) with Ghosal hematodiaphyseal dysplasia (PMID: 18264100, 27156553, 33185009, 33244729, 35395429, 36574346). It has also been observed to segregate with disease in related individuals. ClinVar contains an entry for this variant (Variation ID: 11889). Invitae Evidence Modeling of protein sequence and biophysical properties (such as structural, functional, and spatial information, amino acid conservation, physicochemical variation, residue mobility, and thermodynamic stability) indicates that this missense variant is expected to disrupt TBXAS1 protein function with a positive predictive value of 95%. Experimental studies have shown that this missense change affects TBXAS1 function (PMID: 8702713). In summary, the currently available evidence indicates that the variant is pathogenic, but additional data are needed to prove that conclusively. Therefore, this variant has been classified as Likely Pathogenic.

Victorian Clinical Genetics Services, Murdoch Childrens Research Institute
Classification: Likely pathogenic for Ghosal hematodiaphyseal dysplasia. Last evaluated: 2025-08-07. Review status: criteria provided, single submitter. Criteria: ACMG Guidelines, 2015. Collection method: clinical testing. Allele origin: germline. Affected: yes.
Comment: This variant is classified as Likely pathogenic. Evidence in support of pathogenic classification: Variant is present in gnomAD <0.01 for a recessive condition (v4: 561 heterozygote(s), 7 homozygote(s)); This variant has strong previous evidence of pathogenicity in unrelated individuals. This variant has been classified as pathogenic/likely pathogenic and as a VUS by clinical laboratories in ClinVar; however, no compelling evidence against pathogenicity was provided. This variant has been reported in the literature in a homozygous state in individuals with Ghosal hematodiaphyseal syndrome (PMIDs: 39220787, 27156553, 33244729); Missense variant predicted to be damaging by in silico tool(s) or highly conserved with a major amino acid change. Additional information: Variant is predicted to result in a missense amino acid change from arginine to glutamine; This variant is homozygous; This gene is associated with autosomal recessive disease; Alternative amino acid change(s) at the same position are present in gnomAD (Highest allele count: v4: 211 heterozygote(s), 0 homozygote(s)); Variant is located in the annotated cytochrome p450 domain (DECIPHER); Loss of function is a known mechanism of disease in this gene and is associated with Ghosal hematodiaphyseal syndrome (MIM#231095); Inheritance information for this variant is not currently available in this individual.

Mayo Clinic Laboratories, Mayo Clinic
Classification: Likely pathogenic. Last evaluated: 2025-07-28. Review status: criteria provided, single submitter. Criteria: ACMG Guidelines, 2015. Collection method: clinical testing. Allele origin: germline. Observed: 1 variant allele.
Comment: BS1, BS2, PP3_moderate, PP4_strong, PM3_strong

First Genomix Gene Laboratory, Genetic Diagnostics Department
Classification: Likely pathogenic for Ghosal hematodiaphyseal dysplasia. Last evaluated: 2025-01-17. Review status: criteria provided, single submitter. Criteria: ACMG Guidelines, 2015. Collection method: clinical testing. Allele origin: germline. Inheritance: Autosomal recessive inheritance. Affected: no. Observed: 1 variant allele.

Revvity Omics, Revvity
Classification: Likely pathogenic for Ghosal hematodiaphyseal dysplasia. Last evaluated: 2024-09-13. Review status: criteria provided, single submitter. Criteria: ACMG Guidelines, 2015. Collection method: clinical testing. Allele origin: germline.

Blueprint Genetics
Classification: Uncertain significance. Last evaluated: 2024-06-28. Review status: criteria provided, single submitter. Criteria: ACMG Guidelines, 2015. Collection method: clinical testing. Allele origin: germline.

Genomic Medicine Center of Excellence, King Faisal Specialist Hospital and Research Centre
Classification: Uncertain significance for Ghosal hematodiaphyseal dysplasia. Last evaluated: 2024-03-25. Review status: criteria provided, single submitter. Criteria: ACMG Guidelines, 2015. Collection method: clinical testing. Allele origin: germline.

CeGaT Center for Human Genetics Tuebingen
Classification: Likely pathogenic. Last evaluated: 2024-02-01. Review status: criteria provided, single submitter. Criteria: CeGaT Center For Human Genetics Tuebingen Variant Classification Criteria Version 2. Collection method: clinical testing. Allele origin: germline. Affected: yes. Observed: 3 variant alleles.
Comment: TBXAS1: PM3:Strong, PM2:Supporting, PP4, PS3:Supporting

Department of Pathology and Laboratory Medicine, Sinai Health System
Classification: Likely pathogenic for Ghosal hematodiaphyseal dysplasia. Last evaluated: 2023-10-11. Review status: criteria provided, single submitter. Criteria: ACMG Guidelines, 2015. Collection method: research. Allele origin: germline.

3billion
Classification: Likely pathogenic for Ghosal hematodiaphyseal dysplasia. Last evaluated: 2023-07-24. Review status: criteria provided, single submitter. Criteria: ACMG Guidelines, 2015. Collection method: clinical testing. Allele origin: germline. Affected: yes.
Comment: The variant is observed at an extremely low frequency in the gnomAD v2.1.1 dataset (total allele frequency: 0.075%). Predicted Consequence/Location: Missense variant In silico tool predictions suggest damaging effect of the variant on gene or gene product (REVEL: 0.87; 3Cnet: 0.12). Same nucleotide change resulting in same amino acid change has been previously reported as pathogenic/likely pathogenic with strong evidence (ClinVar ID: VCV000011889 /PMID: 18264100). Therefore, this variant is classified as Likely pathogenic according to the recommendation of ACMG/AMP guideline.